The following is an entry in ClinVar:

ClinVar aggregate classification (germline): Uncertain significance. Review status: criteria provided, multiple submitters, no conflicts (2 of 4 stars). 3 submissions from 3 submitters: Uncertain significance (3). Last evaluated 2025-03-26.

Conditions:
Inborn genetic diseases. Identifiers: MedGen C0950123, MeSH D030342.
Epilepsy, childhood absence, susceptibility to, 6. Identifiers: Orphanet 64280, MedGen C2749872, MONDO:0012763, OMIM 611942.
Hyperaldosteronism, familial, type IV (HALD4). Also called: FH IV; ALDOSTERONISM, PRIMARY, AND HYPERTENSION. Identifiers: Orphanet 642671, MedGen C4310756, MONDO:0014875, OMIM 617027.
Idiopathic generalized epilepsy. Also called: Generalised epilepsy; EIG. Identifiers: MedGen C0270850, MONDO:0005579, OMIM 600669.

Allele frequency attached by ClinVar (database versions not stated): gnomAD 0.00001; TOPMed 0.00001; 1000 Genomes Project 0.00020; 1000 Genomes Project 30x 0.00031.

Submissions (3):

Ambry Genetics
Classification: Uncertain significance for Inborn genetic diseases. Last evaluated: 2025-03-26. Review status: criteria provided, single submitter. Criteria: Ambry Variant Classification Scheme 2023. Collection method: clinical testing. Allele origin: germline.

Fulgent Genetics
Classification: Uncertain significance for Epilepsy, childhood absence, susceptibility to, 6; Hyperaldosteronism, familial, type IV. Last evaluated: 2024-03-19. Review status: criteria provided, single submitter. Criteria: ACMG Guidelines, 2015. Collection method: clinical testing. Allele origin: germline.

Labcorp Genetics (formerly Invitae), Labcorp
Classification: Uncertain significance for Idiopathic generalized epilepsy; Hyperaldosteronism, familial, type IV. Last evaluated: 2022-06-13. Review status: criteria provided, single submitter. Criteria: Invitae Variant Classification Sherloc (09022015). Collection method: clinical testing. Allele origin: germline.
Comment: Algorithms developed to predict the effect of missense changes on protein structure and function (SIFT, PolyPhen-2, Align-GVGD) all suggest that this variant is likely to be disruptive. In summary, the available evidence is currently insufficient to determine the role of this variant in disease. Therefore, it has been classified as a Variant of Uncertain Significance. This variant has not been reported in the literature in individuals affected with CACNA1H-related conditions. This variant is present in population databases (rs536269517, gnomAD 0.007%). This sequence change replaces serine, which is neutral and polar, with leucine, which is neutral and non-polar, at codon 1496 of the CACNA1H protein (p.Ser1496Leu).

NM_021098.3(CACNA1H):c.4487C>T (p.Ser1496Leu)

Gene: CACNA1H (calcium voltage-gated channel subunit alpha1 H; plus strand). Cytogenetic location: 16p13.3.
Variant type: single nucleotide variant.
Coding change: c.4487C>T on transcript NM_021098.3 (MANE Select); coding-DNA position 4487, C replaced by T.
Protein change: p.Ser1496Leu; replaces serine 1496 with leucine.
Molecular consequence: missense variant.
Genome position (GRCh38, 1-based): chr16:1,211,726, C>T. VCF-style: chr16-1211726-C-T. GRCh37 (hg19) VCF-style: chr16-1261726-C-T.
Other names: c.4487C>T, p.Ser1496Leu (NM_001005407.2); c.4487C>T (NM_021098.2); short protein forms S1496L.
Identifiers: ClinVar variation 1382899 (VCV001382899.9), dbSNP rs536269517, ClinGen allele CA7801391.